The following is an entry in ClinVar:

ClinVar aggregate classification (germline): Uncertain significance (1 of 4 stars; one submission).

Submission:

GeneDx
Classification: Uncertain significance. Last evaluated: 2026-03-12. Review status: criteria provided, single submitter. Criteria: GeneDx Variant Classification Process June 2021. Collection method: clinical testing. Allele origin: germline.
Comment: In-frame deletion of 8 amino acid(s) in a non-repeat region; Not observed at significant frequency in large population cohorts (gnomAD); In silico analysis suggests that this variant does not alter protein structure/function; Has not been previously published as pathogenic or benign to our knowledge

NM_006236.3(POU3F3):c.127_150del (p.Gly43_Gly50del)

Gene: POU3F3 (POU class 3 homeobox 3; plus strand). Cytogenetic location: 2q12.1.
Variant type: Deletion.
Coding change: c.127_150del on transcript NM_006236.3 (MANE Select); coding-DNA positions 127 to 150, 24 bases deleted (GGCGCAGGGGGCGGGGGCGGCGGC).
Protein change: p.Gly43_Gly50del.
Molecular consequence: inframe deletion.
Genome position (GRCh38, 1-based): chr2:104,855,637-104,855,660, GGCGCAGGGGGCGGGGGCGGCGGC deleted; deleting any 24 consecutive bases within chr2:104,855,634-104,855,660 gives the same sequence; the c. name uses the placement nearest the transcript's 3' end. VCF-style (leftmost placement, unchanged base first): chr2-104855633-GGGCGGCGCAGGGGGCGGGGGCGGC-G. GRCh37 (hg19) VCF-style: chr2-105472091-GGGCGGCGCAGGGGGCGGGGGCGGC-G.
Other names: c.127_150del, p.Gly43_Gly50del (NM_001433704.1).
Identifiers: ClinVar variation 5008926 (VCV005008926.1).